The following is an entry in ClinVar:

ClinVar aggregate classification (germline): Uncertain significance. Review status: criteria provided, multiple submitters, no conflicts (2 of 4 stars). 2 submissions from 2 submitters: Uncertain significance (2). Last evaluated 2025-11-26.

Allele frequency attached by ClinVar (database versions not stated): ExAC 0.00016; 1000 Genomes Project 30x 0.00031; gnomAD 0.00005; gnomAD exomes 0.00006; TOPMed 0.00009; 1000 Genomes Project 0.00020.
gnomAD v4.1: 99 of 1,614,002 alleles (0.0061%); highest among the groups gnomAD compares: Admixed American, 0.077%; no homozygotes.

Submissions (2):

Labcorp Genetics (formerly Invitae), Labcorp
Classification: Uncertain significance. Last evaluated: 2025-11-26. Review status: criteria provided, single submitter. Criteria: Invitae Variant Classification Sherloc (09022015). Collection method: clinical testing. Allele origin: germline.
Comment: This sequence change replaces arginine, which is basic and polar, with cysteine, which is neutral and slightly polar, at codon 699 of the IGSF10 protein (p.Arg699Cys). This variant is present in population databases (rs550874179, gnomAD 0.1%), and has an allele count higher than expected for a pathogenic variant. This variant has not been reported in the literature in individuals affected with IGSF10-related conditions. ClinVar contains an entry for this variant (Variation ID: 2389393). An algorithm developed to predict the effect of missense changes on protein structure and function (PolyPhen-2) suggests that this variant is likely to be tolerated. In summary, the available evidence is currently insufficient to determine the role of this variant in disease. Therefore, it has been classified as a Variant of Uncertain Significance.

Ambry Genetics
Classification: Uncertain significance. Last evaluated: 2024-12-05. Review status: criteria provided, single submitter. Criteria: Ambry Variant Classification Scheme 2023. Collection method: clinical testing. Allele origin: germline.

NM_178822.5(IGSF10):c.2095C>T (p.Arg699Cys)

Gene: IGSF10 (immunoglobulin superfamily member 10; minus strand). Cytogenetic location: 3q25.1.
Variant type: single nucleotide variant.
Coding change: c.2095C>T on transcript NM_178822.5 (MANE Select); coding-DNA position 2095, C replaced by T.
Protein change: p.Arg699Cys; replaces arginine 699 with cysteine.
Molecular consequence: missense variant.
Genome position (GRCh38, 1-based): chr3:151,447,886, G>A on the plus strand (C>T on the coding strand, the complement: IGSF10 is on the minus strand). VCF-style: chr3-151447886-G-A. GRCh37 (hg19) VCF-style: chr3-151165674-G-A.
Other names: c.2095C>T, p.Arg699Cys (NM_001385060.1, NM_001385061.1, NM_001385062.1 and 1 more transcripts); short protein forms R699C.
Identifiers: ClinVar variation 2389393 (VCV002389393.5), dbSNP rs550874179, ClinGen allele CA2670414.